The following is an entry in ClinVar:

ClinVar aggregate classification (germline): Uncertain significance. Review status: criteria provided, multiple submitters, no conflicts (2 of 4 stars). 2 submissions from 2 submitters: Uncertain significance (2). Last evaluated 2026-04-16.

Conditions:
CYP4V2-related disorder. Also called: CYP4V2-related disorders; CYP4V2-related condition.
Inborn genetic diseases. Identifiers: MedGen C0950123, MeSH D030342.

Allele frequency attached by ClinVar (database versions not stated): gnomAD exomes 0.00001; ExAC 0.00002; gnomAD 0.00004; ESP Exome Variant Server 0.00008.
gnomAD v4.1: 16 of 1,613,988 alleles (0.00099%); highest among the groups gnomAD compares: African/African-American, 0.013%; no homozygotes.

Submissions (2):

PreventionGenetics, part of Exact Sciences
Classification: Uncertain significance for CYP4V2-related condition. Last evaluated: 2026-04-16. Review status: criteria provided, single submitter. Criteria: ACMG Guidelines, 2015. Collection method: clinical testing. Allele origin: germline.
Comment: The CYP4V2 c.832G>A variant is predicted to result in the amino acid substitution p.Ala278Thr. To our knowledge, this variant has not been reported in the literature. This variant is reported in 0.024% of alleles in individuals of African descent in gnomAD. At this time, the clinical significance of this variant is uncertain due to the absence of conclusive functional and genetic evidence.

Ambry Genetics
Classification: Uncertain significance for Inborn genetic diseases. Last evaluated: 2024-12-25. Review status: criteria provided, single submitter. Criteria: Ambry Variant Classification Scheme 2023. Collection method: clinical testing. Allele origin: germline.

NM_207352.4(CYP4V2):c.832G>A (p.Ala278Thr)

Gene: CYP4V2 (cytochrome P450 family 4 subfamily V member 2; plus strand). Cytogenetic location: 4q35.2.
Variant type: single nucleotide variant.
Coding change: c.832G>A on transcript NM_207352.4 (MANE Select); coding-DNA position 832, G replaced by A.
Protein change: p.Ala278Thr; replaces alanine 278 with threonine.
Molecular consequence: missense variant.
Genome position (GRCh38, 1-based): chr4:186,201,187, G>A. VCF-style: chr4-186201187-G-A. GRCh37 (hg19) VCF-style: chr4-187122341-G-A.
Other names: short protein forms A278T.
Identifiers: ClinVar variation 2273556 (VCV002273556.4), dbSNP rs142136741, ClinGen allele CA3162676.
Genomic context (GRCh38, chr4:186,201,187, plus strand): 5'-AAGCATGTGATTATCATTCAAATCATACAGGTCATCGCTGAACGGGCCAATGAAATGAAC[G>A]CCAATGAAGACTGTAGAGGTGATGGCAGGGGCTCTGCCCCCTCCAAAAATAAACGCAGGG-3'
Protein context (NP_997235.3, residues 268-288): VIAERANEMN[Ala278Thr]NEDCRGDGRG